The following is an entry in ClinVar:

NM_002474.3(MYH11):c.2855T>C (p.Met952Thr)

Gene: MYH11 (myosin heavy chain 11; minus strand). Cytogenetic location: 16p13.11.
Variant type: single nucleotide variant.
Coding change: c.2855T>C on transcript NM_002474.3 (MANE Select); coding-DNA position 2855, T replaced by C.
Protein change: p.Met952Thr; replaces methionine 952 with threonine.
Molecular consequence: missense variant.
Genome position (GRCh38, 1-based): chr16:15,741,467, A>G on the plus strand (T>C on the coding strand, the complement: MYH11 is on the minus strand). VCF-style: chr16-15741467-A-G. GRCh37 (hg19) VCF-style: chr16-15835324-A-G.
Other names: c.2876T>C, p.Met959Thr (NM_001040113.2, NM_001040114.2); c.2855T>C, p.Met952Thr (NM_022844.3); short protein forms M959T, M952T.
Identifiers: ClinVar variation 924068 (VCV000924068.11), dbSNP rs372275868, ClinGen allele CA7922165.

ClinVar aggregate classification (germline): Uncertain significance. Review status: criteria provided, multiple submitters, no conflicts (2 of 4 stars). 5 submissions from 5 submitters: Uncertain significance (5). Last evaluated 2025-01-04.

Conditions:
Aortic aneurysm, familial thoracic 4 (AAT4). Also called: AORTIC ANEURYSM/AORTIC DISSECTION AND PATENT DUCTUS ARTERIOSUS. Identifiers: MedGen C1851504, MONDO:0007568, OMIM 132900.
Familial thoracic aortic aneurysm and aortic dissection (TAAD). Also called: Thoracic aortic aneurysms and dissections. Identifiers: Orphanet 91387, MedGen C4707243, MONDO:0019625.

Allele frequency attached by ClinVar (database versions not stated): gnomAD 0.00001; gnomAD exomes 0.00001 and 0.00002; ExAC 0.00002; TOPMed 0.00002; ESP Exome Variant Server 0.00008.
gnomAD v4.1: 8 of 1,607,586 alleles (0.0005%); highest among the groups gnomAD compares: South Asian, 0.0022%; no homozygotes.

Submissions (5):

Ambry Genetics
Classification: Uncertain significance for Familial thoracic aortic aneurysm and aortic dissection. Last evaluated: 2025-01-04. Review status: criteria provided, single submitter. Criteria: Ambry Variant Classification Scheme 2023. Collection method: clinical testing. Allele origin: germline.
Comment: The p.M952T variant (also known as c.2855T>C), located in coding exon 21 of the MYH11 gene, results from a T to C substitution at nucleotide position 2855. The methionine at codon 952 is replaced by threonine, an amino acid with similar properties. This amino acid position is conserved. In addition, the in silico prediction for this alteration is inconclusive. Based on the available evidence, the clinical significance of this variant remains unclear.

Labcorp Genetics (formerly Invitae), Labcorp
Classification: Uncertain significance for Aortic aneurysm, familial thoracic 4. Last evaluated: 2024-08-06. Review status: criteria provided, single submitter. Criteria: Invitae Variant Classification Sherloc (09022015). Collection method: clinical testing. Allele origin: germline.
Comment: This sequence change replaces methionine, which is neutral and non-polar, with threonine, which is neutral and polar, at codon 959 of the MYH11 protein (p.Met959Thr). This variant is present in population databases (rs372275868, gnomAD 0.003%). This variant has not been reported in the literature in individuals affected with MYH11-related conditions. ClinVar contains an entry for this variant (Variation ID: 924068). Advanced modeling of protein sequence and biophysical properties (such as structural, functional, and spatial information, amino acid conservation, physicochemical variation, residue mobility, and thermodynamic stability) performed at Invitae indicates that this missense variant is not expected to disrupt MYH11 protein function with a negative predictive value of 95%. In summary, the available evidence is currently insufficient to determine the role of this variant in disease. Therefore, it has been classified as a Variant of Uncertain Significance.

All of Us Research Program, National Institutes of Health
Classification: Uncertain significance for Familial thoracic aortic aneurysm and aortic dissection. Last evaluated: 2024-03-24. Review status: criteria provided, single submitter. Criteria: ACMG Guidelines, 2015. Collection method: clinical testing. Allele origin: germline. Inheritance: Autosomal dominant inheritance. Observed: 4 variant alleles, 4 heterozygotes.
Comment: This missense variant replaces methionine with threonine at codon 959 of the MYH11 protein. Computational prediction is inconclusive regarding the impact of this variant on protein structure and function (internally defined REVEL score threshold 0.5 < inconclusive < 0.7, PMID: 27666373). To our knowledge, functional studies have not been reported for this variant. This variant has not been reported in individuals affected with cardiovascular disorders in the literature. This variant has been identified in 4/246358 chromosomes in the general population by the Genome Aggregation Database (gnomAD). The available evidence is insufficient to determine the role of this variant in disease conclusively. Therefore, this variant is classified as a Variant of Uncertain Significance.

This study involves interpretation of variants in research participants for the purpose of population health screening. Participant phenotype was not available at the time of variant classification. Additional details can be found in publication PMID: 35346344, PMCID: PMC8962531

Color Diagnostics, LLC DBA Color Health
Classification: Uncertain significance for Familial thoracic aortic aneurysm and aortic dissection. Last evaluated: 2024-03-06. Review status: criteria provided, single submitter. Criteria: ACMG Guidelines, 2015. Collection method: clinical testing. Allele origin: germline.
Comment: This missense variant replaces methionine with threonine at codon 959 of the MYH11 protein. Computational prediction tools indicate that this variant's impact on protein structure and function is inconclusive. To our knowledge, functional studies have not been reported for this variant. This variant has not been reported in individuals affected with MYH11-related disorders in the literature. This variant has been identified in 4/246358 chromosomes in the general population by the Genome Aggregation Database (gnomAD). The available evidence is insufficient to determine the role of this variant in disease conclusively. Therefore, this variant is classified as a Variant of Uncertain Significance.

GeneDx
Classification: Uncertain significance. Last evaluated: 2022-04-26. Review status: criteria provided, single submitter. Criteria: GeneDx Variant Classification Process June 2021. Collection method: clinical testing. Allele origin: germline. Affected: yes.
Comment: Has not been previously published as pathogenic or benign to our knowledge; Not observed at significant frequency in large population cohorts (gnomAD); In silico analysis supports that this missense variant does not alter protein structure/function